The following is an entry in ClinVar:

NM_024675.4(PALB2):c.3107T>G (p.Val1036Gly)

Gene: PALB2 (partner and localizer of BRCA2; minus strand). Cytogenetic location: 16p12.2.
Variant type: single nucleotide variant.
Coding change: c.3107T>G on transcript NM_024675.4 (MANE Select); coding-DNA position 3107, T replaced by G.
Protein change: p.Val1036Gly; replaces valine 1036 with glycine.
Molecular consequence: missense variant.
Genome position (GRCh38, 1-based): chr16:23,621,368, A>C on the plus strand (T>G on the coding strand, the complement: PALB2 is on the minus strand). VCF-style: chr16-23621368-A-C. GRCh37 (hg19) VCF-style: chr16-23632689-A-C.
Other names: c.3047T>G, p.Val1016Gly (NM_001407296.1); c.3035T>G, p.Val1012Gly (NM_001407297.1); c.2945T>G, p.Val982Gly (NM_001407298.1, NM_001407302.1); c.3107T>G, p.Val1036Gly (NM_001407299.1, NM_001407301.1); c.2222T>G, p.Val741Gly (NM_001407304.1, NM_001407305.1, NM_001407306.1 and 4 more transcripts); c.2060T>G, p.Val687Gly (NM_001407307.1); c.1319T>G, p.Val440Gly (NM_001407312.1, NM_001407313.1); c.641T>G, p.Val214Gly (NM_001407314.1); short protein forms V1016G, V440G, V741G, V1012G, V1036G, V214G, V687G, V982G.
Identifiers: ClinVar variation 1727702 (VCV001727702.6), dbSNP rs1555459357, ClinGen allele CA395142781.

ClinVar aggregate classification (germline): Uncertain significance. Review status: criteria provided, multiple submitters, no conflicts (2 of 4 stars). 2 submissions from 2 submitters: Uncertain significance (2). Last evaluated 2025-03-03.

Conditions:
Hereditary cancer-predisposing syndrome. Also called: Tumor predisposition; Neoplastic Syndromes, Hereditary; Hereditary Cancer Syndrome; Hereditary neoplastic syndrome. Identifiers: Orphanet 140162, MedGen C0027672, MeSH D009386, MONDO:0015356.
Familial cancer of breast. Also called: Hereditary breast cancer; BREAST CANCER, FAMILIAL; hereditary breast carcinoma. Identifiers: Orphanet 227535, MedGen C0346153, MONDO:0016419, OMIM 114480. Disease mechanism: loss of function.

Submissions (2):

Ambry Genetics
Classification: Uncertain significance for Hereditary cancer-predisposing syndrome. Last evaluated: 2025-03-03. Review status: criteria provided, single submitter. Criteria: Ambry Variant Classification Scheme 2023. Collection method: clinical testing. Allele origin: germline.
Comment: The p.V1036G variant (also known as c.3107T>G), located in coding exon 10 of the PALB2 gene, results from a T to G substitution at nucleotide position 3107. The valine at codon 1036 is replaced by glycine, an amino acid with dissimilar properties. This amino acid position is highly conserved in available vertebrate species. In addition, the in silico prediction for this alteration is inconclusive. Based on the available evidence, the clinical significance of this variant remains unclear.

Labcorp Genetics (formerly Invitae), Labcorp
Classification: Uncertain significance for Familial cancer of breast. Last evaluated: 2024-01-13. Review status: criteria provided, single submitter. Criteria: Invitae Variant Classification Sherloc (09022015). Collection method: clinical testing. Allele origin: germline.
Comment: This sequence change replaces valine, which is neutral and non-polar, with glycine, which is neutral and non-polar, at codon 1036 of the PALB2 protein (p.Val1036Gly). This variant is not present in population databases (gnomAD no frequency). This variant has not been reported in the literature in individuals affected with PALB2-related conditions. ClinVar contains an entry for this variant (Variation ID: 1727702). Advanced modeling of protein sequence and biophysical properties (such as structural, functional, and spatial information, amino acid conservation, physicochemical variation, residue mobility, and thermodynamic stability) performed at Invitae indicates that this missense variant is expected to disrupt PALB2 protein function with a positive predictive value of 80%. In summary, the available evidence is currently insufficient to determine the role of this variant in disease. Therefore, it has been classified as a Variant of Uncertain Significance.